The following is an entry in ClinVar:

NM_020779.4(WDR35):c.1183A>T (p.Asn395Tyr)

Gene: WDR35 (WD repeat domain 35; minus strand). Cytogenetic location: 2p24.1.
Variant type: single nucleotide variant.
Coding change: c.1183A>T on transcript NM_020779.4 (MANE Select); coding-DNA position 1183, A replaced by T.
Protein change: p.Asn395Tyr; replaces asparagine 395 with tyrosine.
Molecular consequence: missense variant.
Genome position (GRCh38, 1-based): chr2:19,966,735, T>A on the plus strand (A>T on the coding strand, the complement: WDR35 is on the minus strand). VCF-style: chr2-19966735-T-A. GRCh37 (hg19) VCF-style: chr2-20166496-T-A.
Other names: c.1183A>T, p.Asn395Tyr (NM_001006657.2); short protein forms N395Y.
Identifiers: ClinVar variation 288569 (VCV000288569.69), dbSNP rs143343508, ClinGen allele CA1543330.

ClinVar aggregate classification (germline): Conflicting classifications of pathogenicity. Review status: criteria provided, conflicting classifications (1 of 4 stars). 13 submissions from 12 submitters: Uncertain significance (7); Likely benign (3). 3 of the submissions do not count toward it. Last evaluated 2026-09-03.

Conditions:
WDR35-related disorder. Also called: WDR35-related condition; WDR35-related disorders. Identifiers: MedGen CN239419.
Connective tissue disorder. Also called: Connective tissue disease. Identifiers: MedGen C0009782, MONDO:0003900.
Cranioectodermal dysplasia 2 (CED2). Identifiers: Orphanet 1515, MedGen C3150874, MONDO:0013323, OMIM 613610.
Short-rib thoracic dysplasia 7 with or without polydactyly (SRTD7). Also called: SHORT-RIB THORACIC DYSPLASIA 7 WITH POLYDACTYLY; Short rib polydactyly syndrome 5. Identifiers: Orphanet 498497, Orphanet 93271, MedGen C3279792, MONDO:0013569, OMIM 614091.
Short-rib thoracic dysplasia 6 with or without polydactyly (SRTD6). Also called: SHORT-RIB THORACIC DYSPLASIA 6 WITH POLYDACTYLY; SHORT-RIB THORACIC DYSPLASIA 6 WITHOUT POLYDACTYLY; Majewski Syndrome; SHORT RIB-POLYDACTYLY SYNDROME, TYPE IIA; POLYDACTYLY WITH NEONATAL CHONDRODYSTROPHY, TYPE II. Identifiers: MedGen C0024507, MONDO:0009894, OMIM 263520.

Allele frequency attached by ClinVar (database versions not stated): 1000 Genomes Project 0.00100; 1000 Genomes Project 30x 0.00125; TOPMed 0.00127; gnomAD 0.00135 and 0.00139; gnomAD exomes 0.00172 and 0.00245; ESP Exome Variant Server 0.00177; ExAC 0.00183.
gnomAD v4.1: 3,772 of 1,613,800 alleles (0.23%); highest among the groups gnomAD compares: Non-Finnish European, 0.28%; 4 homozygotes.

Submissions (13):

GeneDx
Classification: Uncertain significance. Last evaluated: 2026-09-03. Review status: criteria provided, single submitter. Criteria: GeneDx Variant Classification Process June 2021. Collection method: clinical testing. Allele origin: germline.
Comment: Identified in a patient with short rib-polydactyly syndrome in published literature, however, a second WDR35 variant was not identified (PMID: 29068549); In silico analysis supports that this missense variant has a deleterious effect on protein structure/function; This variant is associated with the following publications: (PMID: 29068549)

Labcorp Genetics (formerly Invitae), Labcorp
Classification: Likely benign for Cranioectodermal dysplasia 2; Short-rib thoracic dysplasia 7 with or without polydactyly. Last evaluated: 2026-01-15. Review status: criteria provided, single submitter. Criteria: Invitae Variant Classification Sherloc (09022015). Collection method: clinical testing. Allele origin: germline.

Blueprint Genetics
Classification: Likely benign. Last evaluated: 2024-11-21. Review status: criteria provided, single submitter. Criteria: ACMG Guidelines, 2015. Collection method: clinical testing. Allele origin: germline.

Women's Health and Genetics/Laboratory Corporation of America, LabCorp
Classification: Likely benign. Last evaluated: 2024-09-11. Review status: criteria provided, single submitter. Criteria: LabCorp Variant Classification Summary - May 2015. Collection method: clinical testing. Allele origin: germline.
Comment: Variant summary: WDR35 c.1183A>T (p.Asn395Tyr) results in a non-conservative amino acid change in the encoded protein sequence. Four of five in-silico tools predict a damaging effect of the variant on protein function. The variant allele was found at a frequency of 0.0017 in 251214 control chromosomes, predominantly at a frequency of 0.0027 within the Non-Finnish European subpopulation in the gnomAD database. The observed variant frequency within Non-Finnish European control individuals in the gnomAD database exceeds the estimated maximal expected allele frequency for a pathogenic variant in WDR35 causing WDR35-Related Disorders phenotype. c.1183A>T has been reported in the literature in individuals affected with short-rib polydactyly syndrome (Zhang_2018). These report(s) do not provide unequivocal conclusions about association of the variant with WDR35-Related Disorders. To our knowledge, no experimental evidence demonstrating an impact on protein function has been reported. The following publication have been ascertained in the context of this evaluation (PMID: 29068549). ClinVar contains an entry for this variant (Variation ID: 288569). Based on the evidence outlined above, the variant was classified as likely benign.

ARUP Laboratories, Molecular Genetics and Genomics, ARUP Laboratories
Classification: Uncertain significance. Last evaluated: 2023-08-18. Review status: criteria provided, single submitter. Criteria: ARUP Molecular Germline Variant Investigation Process 2024. Collection method: clinical testing. Allele origin: germline.
Comment: The WDR35 c.1183A>T; p.Asn395Tyr variant (rs143343508) is reported in a fetus affected with short-rib polydactyly syndromes without biallelic pathogenic findings, no functional or segregation data were provided (Zhang 2018). This variant is also reported in ClinVar (Variation ID: 288569) and is found in the non-Finnish European population with an allele frequency of 0.27% (342/128,986 alleles) in the Genome Aggregation Database. Computational analyses are uncertain whether this variant is neutral or deleterious (REVEL: 0.26). Due to limited information, the clinical significance of the p.Asn395Tyr variant is uncertain at this time. References: Zhang et al. Expanding the genetic architecture and phenotypic spectrum in the skeletal ciliopathies. Hum Mutat. 2018 Jan;39(1):152-166. PMID: 29068549.

CeGaT Center for Human Genetics Tuebingen
Classification: Uncertain significance. Last evaluated: 2021-01-01. Review status: criteria provided, single submitter. Criteria: CeGaT Center For Human Genetics Tuebingen Variant Classification Criteria Version 2. Collection method: clinical testing. Allele origin: germline. Affected: yes. Observed: 1 variant allele.

Genome Diagnostics Laboratory, The Hospital for Sick Children
Classification: Uncertain significance for Connective tissue disorder. Last evaluated: 2018-11-01. Review status: criteria provided, single submitter. Criteria: ACMG Guidelines, 2015. Collection method: clinical testing. Allele origin: germline.

Illumina Laboratory Services, Illumina
Classification: Uncertain significance for Cranioectodermal dysplasia 2. Last evaluated: 2018-01-13. Review status: criteria provided, single submitter. Criteria: ICSL Variant Classification Criteria 13 December 2019. Collection method: clinical testing. Allele origin: germline.

Illumina Laboratory Services, Illumina
Classification: Uncertain significance for Short-rib thoracic dysplasia 7 with or without polydactyly. Last evaluated: 2018-01-13. Review status: criteria provided, single submitter. Criteria: ICSL Variant Classification Criteria 13 December 2019. Collection method: clinical testing. Allele origin: germline.

Eurofins Ntd Llc (ga)
Classification: Uncertain significance. Last evaluated: 2016-06-23. Review status: criteria provided, single submitter. Criteria: EGL Classification Definitions 2015. Collection method: clinical testing. Allele origin: germline. Observed: 1 variant allele, 1 heterozygote.

PreventionGenetics, part of Exact Sciences
Classification: Uncertain significance for WDR35-related condition. Last evaluated: 2024-08-16. Review status: no assertion criteria provided. Collection method: clinical testing. Allele origin: germline. Not counted in ClinVar's aggregate classification.
Comment: The WDR35 c.1183A>T variant is predicted to result in the amino acid substitution p.Asn395Tyr. This variant was reported in an individual with short rib-polydactyly syndrome (Table S3, Zhang et al. 2018. PubMed ID: 29068549). This variant is reported in 0.27% of alleles in individuals of European (non-Finnish) descent in gnomAD. Although we suspect that this variant may be benign, at this time, the clinical significance of this variant is uncertain due to the absence of conclusive functional and genetic evidence.

Dan Cohn Lab, University Of California Los Angeles
Classification: Uncertain significance for Short-rib thoracic dysplasia 6 with or without polydactyly. Last evaluated: 2017-06-01. Review status: no assertion criteria provided. Collection method: research. Allele origin: unknown. Affected: yes. Not counted in ClinVar's aggregate classification.

University of Washington Center for Mendelian Genomics, University of Washington
Classification: Likely pathogenic for short-rib polydactyly syndrome type II. Review status: no assertion criteria provided. Collection method: research. Allele origin: inherited. Affected: yes. Not counted in ClinVar's aggregate classification.

Literature cited by the submitters: PubMed 29068549 (cited by 3 submitters).